The following is an entry in ClinVar:

NM_012062.5(DNM1L):c.1034del (p.Cys345fs)

Gene: DNM1L (dynamin 1 like; plus strand). Cytogenetic location: 12p11.21.
Variant type: Deletion.
Coding change: c.1034del on transcript NM_012062.5 (MANE Select); coding-DNA position 1034, one base deleted (G; older notation c.1034delG).
Protein change: p.Cys345fs; shifts the reading frame from cysteine 345.
Molecular consequence: frameshift variant.
Genome position (GRCh38, 1-based): chr12:32,722,588, G deleted. VCF-style (leftmost placement, unchanged base first): chr12-32722587-TG-T. GRCh37 (hg19) VCF-style: chr12-32875521-TG-T.
Other names: c.1034del, p.Cys345fs (NM_001278463.2, NM_005690.5, NM_012063.4); c.1073del, p.Cys358fs (NM_001278464.2, NM_001278465.2, NM_001330380.2); c.425del, p.Cys142fs (NM_001278466.2); short protein forms C345fs, C142fs, C358fs.
Identifiers: ClinVar variation 1367559 (VCV001367559.6), dbSNP rs1467203496, ClinGen allele CA604480449.

ClinVar aggregate classification (germline): Pathogenic (1 of 4 stars; one submission).

Allele frequency attached by ClinVar (database versions not stated): gnomAD exomes below 0.00001; TOPMed below 0.00001.

Submission:

Labcorp Genetics (formerly Invitae), Labcorp
Classification: Pathogenic. Last evaluated: 2023-03-30. Review status: criteria provided, single submitter. Criteria: Invitae Variant Classification Sherloc (09022015). Collection method: clinical testing. Allele origin: germline.
Comment: This sequence change creates a premature translational stop signal (p.Cys345Leufs*34) in the DNM1L gene. It is expected to result in an absent or disrupted protein product. Loss-of-function variants in DNM1L are known to be pathogenic (PMID: 26825290, 27328748). For these reasons, this variant has been classified as Pathogenic. ClinVar contains an entry for this variant (Variation ID: 1367559). This variant has not been reported in the literature in individuals affected with DNM1L-related conditions. This variant is present in population databases (no rsID available, gnomAD 0.007%).

Literature cited by the submitters: PubMed 26825290; PubMed 27328748.